The following is an entry in ClinVar:

ClinVar aggregate classification (germline): Conflicting classifications of pathogenicity. Review status: criteria provided, conflicting classifications (1 of 4 stars). 10 submissions from 8 submitters: Uncertain significance (6); Likely benign (2). 2 of the submissions do not count toward it. Last evaluated 2024-06-11.

Conditions:
Acute febrile neutrophilic dermatosis (AFND). Also called: Gomm Button disease; Sweet Syndrome. Identifiers: Orphanet 3243, MedGen C0085077, MONDO:0011959, OMIM 608068.
Autoinflammatory syndrome. Identifiers: Orphanet 93665, MedGen C3890737, MONDO:0019751.
Familial Mediterranean fever, autosomal dominant. Also called: FMF, AUTOSOMAL DOMINANT; Dominant Familial Mediterranean Fever. Identifiers: Orphanet 342, MedGen C1851347, MONDO:0007601, OMIM 134610.
Familial Mediterranean fever (FMF). Also called: POLYSEROSITIS, FAMILIAL PAROXYSMAL; POLYSEROSITIS, RECURRENT; Periodic peritonitis; Benign paroxysmal peritonitis. Identifiers: Orphanet 342, MedGen C0031069, MONDO:0018088, OMIM 249100. Disease mechanism: gain of function.

Allele frequency attached by ClinVar (database versions not stated): TOPMed 0.00001; gnomAD 0.00002; gnomAD exomes 0.00003 and 0.00001.
gnomAD v4.1: 47 of 1,614,042 alleles (0.0029%); highest among the groups gnomAD compares: Admixed American, 0.005%; no homozygotes.

Submissions (10):

Mayo Clinic Laboratories, Mayo Clinic
Classification: Uncertain significance. Last evaluated: 2024-06-11. Review status: criteria provided, single submitter. Criteria: ACMG Guidelines, 2015. Collection method: clinical testing. Allele origin: germline. Observed: 1 variant allele.
Comment: BP4, PS4_moderate

Genome-Nilou Lab
Classification: Uncertain significance for Familial Mediterranean fever. Last evaluated: 2023-02-08. Review status: criteria provided, single submitter. Criteria: ACMG Guidelines, 2015. Collection method: clinical testing. Allele origin: germline.

Genome-Nilou Lab
Classification: Likely benign for Familial Mediterranean fever, autosomal dominant. Last evaluated: 2023-02-08. Review status: criteria provided, single submitter. Criteria: ACMG Guidelines, 2015. Collection method: clinical testing. Allele origin: germline.

Genome-Nilou Lab
Classification: Likely benign for Acute febrile neutrophilic dermatosis. Last evaluated: 2023-02-08. Review status: criteria provided, single submitter. Criteria: ACMG Guidelines, 2015. Collection method: clinical testing. Allele origin: germline.

Labcorp Genetics (formerly Invitae), Labcorp
Classification: Uncertain significance for Familial Mediterranean fever. Last evaluated: 2022-02-25. Review status: criteria provided, single submitter. Criteria: Invitae Variant Classification Sherloc (09022015). Collection method: clinical testing. Allele origin: germline.
Comment: This sequence change replaces arginine, which is basic and polar, with cysteine, which is neutral and slightly polar, at codon 708 of the MEFV protein (p.Arg708Cys). This variant is present in population databases (rs104895202, gnomAD 0.002%). This missense change has been observed in individual(s) with clinical features of MEFV-related conditions (PMID: 21520333). ClinVar contains an entry for this variant (Variation ID: 97496). Algorithms developed to predict the effect of missense changes on protein structure and function output the following: SIFT: "Tolerated"; PolyPhen-2: "Benign"; Align-GVGD: "Class C0". The cysteine amino acid residue is found in multiple mammalian species, which suggests that this missense change does not adversely affect protein function. In summary, the available evidence is currently insufficient to determine the role of this variant in disease. Therefore, it has been classified as a Variant of Uncertain Significance.

MGZ Medical Genetics Center
Classification: Uncertain significance for Familial Mediterranean fever. Last evaluated: 2021-11-30. Review status: criteria provided, single submitter. Criteria: ACMG Guidelines, 2015. Collection method: clinical testing. Allele origin: germline. Affected: yes. Observed: 1 variant allele.
Comment: ACMG criteria applied: PS4_SUP, PM2_SUP, BP4

Genome Diagnostics Laboratory, The Hospital for Sick Children
Classification: Uncertain significance for Autoinflammatory syndrome. Last evaluated: 2019-05-01. Review status: criteria provided, single submitter. Criteria: ACMG Guidelines, 2015. Collection method: clinical testing. Allele origin: germline. Affected: yes.

Women's Health and Genetics/Laboratory Corporation of America, LabCorp
Classification: Uncertain significance. Last evaluated: 2018-12-24. Review status: criteria provided, single submitter. Criteria: LabCorp Variant Classification Summary - May 2015. Collection method: clinical testing. Allele origin: germline.
Comment: Variant summary: MEFV c.2122C>T (p.Arg708Cys) results in a non-conservative amino acid change located in the Butyrophylin-like, SPRY domain of the encoded protein sequence. Four of five in-silico tools predict a benign effect of the variant on protein function. The variant allele was found at a frequency of 8.1e-06 in 246268 control chromosomes. The available data on variant occurrences in the general population are insufficient to allow any conclusion about variant significance. To our knowledge, no occurrence of c.2122C>T in individuals affected with Familial Mediterranean Fever has been reported. One publication reports in silico molecular modeling of this variant, however, does not allow convincing conclusions about the variant effect (Arakelov_2015). No clinical diagnostic laboratories have submitted clinical-significance assessments for this variant to ClinVar after 2014. Based on the evidence outlined above, the variant was classified as uncertain significance.

Natera, Inc.
Classification: Uncertain significance for Familial Mediterranean fever. Last evaluated: 2020-09-16. Review status: no assertion criteria provided. Collection method: clinical testing. Allele origin: germline. Not counted in ClinVar's aggregate classification.

Unité médicale des maladies autoinflammatoires, CHRU Montpellier
No classification provided. Condition: Familial Mediterranean fever. Review status: no classification provided. Collection method: not provided. Allele origin: unknown. Not counted in ClinVar's aggregate classification.

Literature cited by the submitters: PubMed 31989427 (cited by Mayo Clinic Laboratories, Mayo Clinic); PubMed 35358658 (cited by Mayo Clinic Laboratories, Mayo Clinic); PubMed 21520333 (cited by Labcorp Genetics (formerly Invitae), Labcorp).

NM_000243.3(MEFV):c.2122C>T (p.Arg708Cys)

Genes: MEFV (MEFV innate immunity regulator, pyrin; minus strand), LOC126862264 (CDK7 strongly-dependent group 2 enhancer GRCh37_chr16:3293322-3294521; plus strand). Cytogenetic location: 16p13.3.
Variant type: single nucleotide variant.
Coding change: c.2122C>T on transcript NM_000243.3 (MANE Select); coding-DNA position 2122, C replaced by T.
Protein change: p.Arg708Cys; replaces arginine 708 with cysteine.
Molecular consequence: missense variant. On other transcripts: 3 prime UTR variant (1).
Genome position (GRCh38, 1-based): chr16:3,243,365, G>A on the plus strand (C>T on the coding strand, the complement: MEFV is on the minus strand). VCF-style: chr16-3243365-G-A. GRCh37 (hg19) VCF-style: chr16-3293365-G-A.
Other names: p.Arg708Cys; c.*326C>T (NM_001198536.2); short protein forms R708C.
Identifiers: ClinVar variation 97496 (VCV000097496.13), dbSNP rs104895202, ClinGen allele CA280530.